The following is an entry in ClinVar:

ClinVar aggregate classification (germline): Pathogenic. Review status: criteria provided, multiple submitters, no conflicts (2 of 4 stars). 2 submissions from 2 submitters: Pathogenic (2). Last evaluated 2026-01-26.

Conditions:
Baller-Gerold syndrome (BGS). Also called: CRANIOSYNOSTOSIS WITH RADIAL DEFECTS. Identifiers: Orphanet 1225, MedGen C0265308, MONDO:0009039, OMIM 218600.

Allele frequency attached by ClinVar (database versions not stated): TOPMed 0.00001; gnomAD exomes 0.00002.

Submissions (2):

Labcorp Genetics (formerly Invitae), Labcorp
Classification: Pathogenic for Baller-Gerold syndrome. Last evaluated: 2026-01-26. Review status: criteria provided, single submitter. Criteria: Invitae Variant Classification Sherloc (09022015). Collection method: clinical testing. Allele origin: germline.
Comment: This sequence change creates a premature translational stop signal (p.Gln864*) in the RECQL4 gene. It is expected to result in an absent or disrupted protein product. Loss-of-function variants in RECQL4 are known to be pathogenic (PMID: 12734318, 12952869). This variant is present in population databases (no rsID available, gnomAD 0.007%). This premature translational stop signal has been observed in individual(s) with Rothmund–Thomson syndrome (RTS) (PMID: 24635570). ClinVar contains an entry for this variant (Variation ID: 528954). Algorithms developed to predict the effect of sequence changes on RNA splicing suggest that this variant may create or strengthen a splice site. For these reasons, this variant has been classified as Pathogenic.

Dasa
Classification: Pathogenic. Last evaluated: 2026-01-05. Review status: criteria provided, single submitter. Criteria: DASA Assertion Criteria. Collection method: clinical testing. Allele origin: germline.
Comment: NM_004260.4(RECQL4):c.2590C>T (p.Gln864*) introduces a premature termination codon predicted to result in loss of normal protein function. Loss-of-function is an established mechanism of disease for this gene. This variant has been observed in affected individuals with related phenotype in a genotype context consistent with recessive disease (PMID: 24635570). This variant has been reported in individuals with related phenotype (PMID: 24635570). The variant is present at low frequency in population datasets. Based on the available data, this variant is classified as pathogenic.

Literature cited by the submitters: PubMed 12734318 (cited by Labcorp Genetics (formerly Invitae), Labcorp); PubMed 12952869 (cited by Labcorp Genetics (formerly Invitae), Labcorp); PubMed 24635570 (cited by Labcorp Genetics (formerly Invitae), Labcorp and Dasa).

NM_004260.4(RECQL4):c.2590C>T (p.Gln864Ter)

Gene: RECQL4 (RecQ like helicase 4; minus strand). Cytogenetic location: 8q24.3.
Variant type: single nucleotide variant.
Coding change: c.2590C>T on transcript NM_004260.4 (MANE Select); coding-DNA position 2590, C replaced by T.
Protein change: p.Gln864Ter; replaces glutamine 864 with a stop codon.
Molecular consequence: nonsense.
Genome position (GRCh38, 1-based): chr8:144,513,012, G>A on the plus strand (C>T on the coding strand, the complement: RECQL4 is on the minus strand). VCF-style: chr8-144513012-G-A. GRCh37 (hg19) VCF-style: chr8-145738395-G-A.
Other names: short protein forms Q864*.
Identifiers: ClinVar variation 528954 (VCV000528954.9), dbSNP rs1054186954, ClinGen allele CA187681645.